The following is an entry in ClinVar:

ClinVar aggregate classification (germline): Uncertain significance (1 of 4 stars; one submission).

Submission:

GeneDx
Classification: Uncertain significance. Last evaluated: 2022-04-19. Review status: criteria provided, single submitter. Criteria: GeneDx Variant Classification Process June 2021. Collection method: clinical testing. Allele origin: germline. Affected: yes.
Comment: Not observed at significant frequency in large population cohorts (gnomAD); In-frame deletion of 6 amino acids in a non-repeat region; In silico analysis supports a deleterious effect on protein structure/function; Has not been previously published as pathogenic or benign to our knowledge

NM_032217.5(ANKRD17):c.1641_1658del (p.Glu548_Leu553del)

Gene: ANKRD17 (ankyrin repeat domain 17; minus strand). Cytogenetic location: 4q13.3.
Variant type: Deletion.
Coding change: c.1641_1658del on transcript NM_032217.5 (MANE Select); coding-DNA positions 1641 to 1658, 18 bases deleted (GGAAGTGGCAGACTTTCT).
Protein change: p.Glu548_Leu553del.
Molecular consequence: inframe deletion.
Genome position (GRCh38, 1-based): chr4:73,147,342-73,147,359, AGAAAGTCTGCCACTTCC deleted on the plus strand (GGAAGTGGCAGACTTTCT on the coding strand, the reverse complement: ANKRD17 is on the minus strand); deleting any 18 consecutive bases within chr4:73,147,342-73,147,365 gives the same sequence; the c. name uses the placement nearest the transcript's 3' end. VCF-style (leftmost placement, unchanged base first): chr4-73147341-TAGAAAGTCTGCCACTTCC-T. GRCh37 (hg19) VCF-style: chr4-74013058-TAGAAAGTCTGCCACTTCC-T.
Other names: c.1302_1319del, p.Glu435_Leu440del (NM_001286771.3); c.1641_1658del, p.Glu548_Leu553del (NM_015574.2, NM_198889.3).
Identifiers: ClinVar variation 1712092 (VCV001712092.2), dbSNP rs2531122587, ClinGen allele CA2580071794.